The following is an entry in ClinVar:

ClinVar aggregate classification (germline): Uncertain significance. Review status: criteria provided, multiple submitters, no conflicts (2 of 4 stars). 2 submissions from 2 submitters: Uncertain significance (2). Last evaluated 2024-02-20.

Conditions:
Combined oxidative phosphorylation defect type 11. Also called: ENCEPHALONEUROMYOPATHY, INFANTILE, DUE TO MITOCHONDRIAL TRANSLATION DEFECT; Combined oxidative phosphorylation deficiency 11. Identifiers: Orphanet 324535, MedGen C5190991, MONDO:0013969, OMIM 614922.

Allele frequency attached by ClinVar (database versions not stated): gnomAD exomes below 0.00001.
gnomAD v4.1: 1 of 1,366,446 alleles (0.000073%); highest among the groups gnomAD compares: Non-Finnish European, 0.0001%; no homozygotes.

Submissions (2):

Fulgent Genetics
Classification: Uncertain significance for Combined oxidative phosphorylation defect type 11. Last evaluated: 2024-02-20. Review status: criteria provided, single submitter. Criteria: ACMG Guidelines, 2015. Collection method: clinical testing. Allele origin: germline.

Labcorp Genetics (formerly Invitae), Labcorp
Classification: Uncertain significance. Last evaluated: 2022-07-30. Review status: criteria provided, single submitter. Criteria: Invitae Variant Classification Sherloc (09022015). Collection method: clinical testing. Allele origin: germline.
Comment: In summary, the available evidence is currently insufficient to determine the role of this variant in disease. Therefore, it has been classified as a Variant of Uncertain Significance. Variants that disrupt the consensus splice site are a relatively common cause of aberrant splicing (PMID: 17576681, 9536098). Algorithms developed to predict the effect of sequence changes on RNA splicing suggest that this variant is not likely to affect RNA splicing. This variant has not been reported in the literature in individuals affected with RMND1-related conditions. This variant is not present in population databases (gnomAD no frequency). This sequence change falls in intron 11 of the RMND1 gene. It does not directly change the encoded amino acid sequence of the RMND1 protein. It affects a nucleotide within the consensus splice site.

Literature cited by the submitters: PubMed 17576681 (cited by Labcorp Genetics (formerly Invitae), Labcorp); PubMed 9536098 (cited by Labcorp Genetics (formerly Invitae), Labcorp).

NM_017909.4(RMND1):c.1317+6A>G

Gene: RMND1 (required for meiotic nuclear division 1 homolog; minus strand). Cytogenetic location: 6q25.1.
Variant type: single nucleotide variant.
Coding change: c.1317+6A>G on transcript NM_017909.4 (MANE Select); 6 bases into the intron after coding-DNA position 1317, A replaced by G.
Molecular consequence: intron variant.
Genome position (GRCh38, 1-based): chr6:151,405,714, T>C on the plus strand (A>G on the coding strand, the complement: RMND1 is on the minus strand). VCF-style: chr6-151405714-T-C. GRCh37 (hg19) VCF-style: chr6-151726849-T-C.
Other names: c.807+6A>G (NM_001271937.2).
Identifiers: ClinVar variation 1928466 (VCV001928466.6), dbSNP rs2485837998, ClinGen allele CA2580075195.
Genomic context (GRCh38, chr6:151,405,714, plus strand): 5'-TTAGCATAGCCCCTGTATTTGTGAAAAGATGGTAACTGATCATAGTACAGAGCATTTCCA[T>C]CTTACCTCTATGGTAATGAGGATGACAATCATCCACTCCAAGCGGAGTGCCCTCTTCTCA-3'